The following is an entry in ClinVar:

NM_144997.7(FLCN):c.974G>T (p.Gly325Val)

Gene: FLCN (folliculin; minus strand). Cytogenetic location: 17p11.2.
Variant type: single nucleotide variant.
Coding change: c.974G>T on transcript NM_144997.7 (MANE Select); coding-DNA position 974, G replaced by T.
Protein change: p.Gly325Val; replaces glycine 325 with valine.
Molecular consequence: missense variant.
Genome position (GRCh38, 1-based): chr17:17,219,107, C>A on the plus strand (G>T on the coding strand, the complement: FLCN is on the minus strand). VCF-style: chr17-17219107-C-A. GRCh37 (hg19) VCF-style: chr17-17122421-C-A.
Other names: c.1028G>T, p.Gly343Val (NM_001353229.2); c.974G>T, p.Gly325Val (NM_001353230.2, NM_001353231.2); short protein forms G325V, G343V.
Identifiers: ClinVar variation 1009472 (VCV001009472.7), dbSNP rs1278019825, ClinGen allele CA398532890.

ClinVar aggregate classification (germline): Uncertain significance. Review status: criteria provided, multiple submitters, no conflicts (2 of 4 stars). 2 submissions from 2 submitters: Uncertain significance (2). Last evaluated 2026-01-26.

Conditions:
Birt-Hogg-Dube syndrome. Also called: Birt Hogg Dubé syndrome. Identifiers: Orphanet 122, MedGen C0346010, MONDO:0800444.
Hereditary cancer-predisposing syndrome. Also called: Tumor predisposition; Hereditary Cancer Syndrome; Neoplastic Syndromes, Hereditary; Hereditary neoplastic syndrome. Identifiers: Orphanet 140162, MedGen C0027672, MeSH D009386, MONDO:0015356.

Allele frequency attached by ClinVar (database versions not stated): gnomAD exomes below 0.00001; TOPMed below 0.00001.
gnomAD v4.1: 1 of 1,614,162 alleles (0.000062%); highest among the groups gnomAD compares: Admixed American, 0.0017%; no homozygotes.

Submissions (2):

Labcorp Genetics (formerly Invitae), Labcorp
Classification: Uncertain significance for Birt-Hogg-Dube syndrome. Last evaluated: 2026-01-26. Review status: criteria provided, single submitter. Criteria: Invitae Variant Classification Sherloc (09022015). Collection method: clinical testing. Allele origin: germline.
Comment: This sequence change replaces glycine, which is neutral and non-polar, with valine, which is neutral and non-polar, at codon 325 of the FLCN protein (p.Gly325Val). This variant is not present in population databases (gnomAD no frequency). This variant has not been reported in the literature in individuals affected with FLCN-related conditions. ClinVar contains an entry for this variant (Variation ID: 1009472). An algorithm developed to predict the effect of missense changes on protein structure and function (PolyPhen-2) suggests that this variant is likely to be tolerated. In summary, the available evidence is currently insufficient to determine the role of this variant in disease. Therefore, it has been classified as a Variant of Uncertain Significance.

Ambry Genetics
Classification: Uncertain significance for Hereditary cancer-predisposing syndrome. Last evaluated: 2023-12-12. Review status: criteria provided, single submitter. Criteria: Ambry Variant Classification Scheme 2023. Collection method: clinical testing. Allele origin: germline.
Comment: The p.G325V variant (also known as c.974G>T), located in coding exon 6 of the FLCN gene, results from a G to T substitution at nucleotide position 974. The glycine at codon 325 is replaced by valine, an amino acid with dissimilar properties. This amino acid position is poorly conserved in available vertebrate species. In addition, this alteration is predicted to be tolerated by in silico analysis. Since supporting evidence is limited at this time, the clinical significance of this alteration remains unclear.